The following is an entry in ClinVar:

NM_017654.4(SAMD9):c.1826T>C (p.Leu609Ser)

Gene: SAMD9 (sterile alpha motif domain containing 9; minus strand). Cytogenetic location: 7q21.2.
Variant type: single nucleotide variant.
Coding change: c.1826T>C on transcript NM_017654.4 (MANE Select); coding-DNA position 1826, T replaced by C.
Protein change: p.Leu609Ser; replaces leucine 609 with serine.
Molecular consequence: missense variant.
Genome position (GRCh38, 1-based): chr7:93,104,272, A>G on the plus strand (T>C on the coding strand, the complement: SAMD9 is on the minus strand). VCF-style: chr7-93104272-A-G. GRCh37 (hg19) VCF-style: chr7-92733585-A-G.
Other names: c.1826T>C, p.Leu609Ser (NM_001193307.2); short protein forms L609S.
Identifiers: ClinVar variation 4629917 (VCV004629917.1).

ClinVar aggregate classification (germline): Uncertain significance (1 of 4 stars; one submission).

Conditions:
Inborn genetic diseases. Identifiers: MedGen C0950123, MeSH D030342.

Submission:

Ambry Genetics
Classification: Uncertain significance for Inborn genetic diseases. Last evaluated: 2025-11-02. Review status: criteria provided, single submitter. Criteria: Ambry Variant Classification Scheme 2023. Collection method: clinical testing. Allele origin: germline.
Comment: The p.L609S variant (also known as c.1826T>C), located in coding exon 1 of the SAMD9 gene, results from a T to C substitution at nucleotide position 1826. The leucine at codon 609 is replaced by serine, an amino acid with dissimilar properties. This amino acid position is conserved. In addition, the in silico prediction for this alteration is inconclusive. Based on the available evidence, the clinical significance of this variant remains unclear.